The following is an entry in ClinVar:

NM_001099274.3(TINF2):c.400-160T>C

Gene: TINF2 (TERF1 interacting nuclear factor 2; minus strand). Cytogenetic location: 14q12.
Variant type: single nucleotide variant.
Coding change: c.400-160T>C on transcript NM_001099274.3 (MANE Select); 160 bases into the intron before coding-DNA position 400, T replaced by C.
Molecular consequence: intron variant.
Genome position (GRCh38, 1-based): chr14:24,241,471, A>G on the plus strand (T>C on the coding strand, the complement: TINF2 is on the minus strand). VCF-style: chr14-24241471-A-G. GRCh37 (hg19) VCF-style: chr14-24710677-A-G.
Other names: c.400-160T>C (NM_012461.3); c.295-160T>C (NM_001363668.2).
Identifiers: ClinVar variation 1800562 (VCV001800562.1), dbSNP rs184714079, ClinGen allele CA257883149.

ClinVar aggregate classification (germline): Likely benign (1 of 4 stars; one submission).

Allele frequency attached by ClinVar (database versions not stated): gnomAD exomes 0.00038; gnomAD 0.00354; TOPMed 0.00402; 1000 Genomes Project 0.00419; 1000 Genomes Project 30x 0.00437.

Submission:

GeneDx
Classification: Likely benign. Last evaluated: 2019-07-26. Review status: criteria provided, single submitter. Criteria: GeneDx Variant Classification Process June 2021. Collection method: clinical testing. Allele origin: germline. Affected: yes.
Comment: See Variant Classification Assertion Criteria.